The following is an entry in ClinVar:

ClinVar aggregate classification (germline): Uncertain significance (1 of 4 stars; one submission).

Allele frequency attached by ClinVar (database versions not stated): ExAC 0.00005; gnomAD 0.00006 and 0.00007; gnomAD exomes 0.00008 and 0.00009; TOPMed 0.00015; 1000 Genomes Project 0.00040; 1000 Genomes Project 30x 0.00047.
gnomAD v4.1: 145 of 1,613,724 alleles (0.009%); highest among the groups gnomAD compares: Admixed American, 0.012%; no homozygotes.

Submission:

Labcorp Genetics (formerly Invitae), Labcorp
Classification: Uncertain significance. Last evaluated: 2024-09-27. Review status: criteria provided, single submitter. Criteria: Invitae Variant Classification Sherloc (09022015). Collection method: clinical testing. Allele origin: germline.
Comment: This sequence change replaces isoleucine, which is neutral and non-polar, with valine, which is neutral and non-polar, at codon 174 of the MTFMT protein (p.Ile174Val). This variant is present in population databases (rs199841088, gnomAD 0.01%). This variant has not been reported in the literature in individuals affected with MTFMT-related conditions. ClinVar contains an entry for this variant (Variation ID: 1380309). An algorithm developed to predict the effect of missense changes on protein structure and function outputs the following: PolyPhen-2: "Benign". The valine amino acid residue is found in multiple mammalian species, which suggests that this missense change does not adversely affect protein function. In summary, the available evidence is currently insufficient to determine the role of this variant in disease. Therefore, it has been classified as a Variant of Uncertain Significance.

NM_139242.4(MTFMT):c.520A>G (p.Ile174Val)

Gene: MTFMT (mitochondrial methionyl-tRNA formyltransferase; minus strand). Cytogenetic location: 15q22.31.
Variant type: single nucleotide variant.
Coding change: c.520A>G on transcript NM_139242.4 (MANE Select); coding-DNA position 520, A replaced by G.
Protein change: p.Ile174Val; replaces isoleucine 174 with valine.
Molecular consequence: missense variant.
Genome position (GRCh38, 1-based): chr15:65,023,694, T>C on the plus strand (A>G on the coding strand, the complement: MTFMT is on the minus strand). VCF-style: chr15-65023694-T-C. GRCh37 (hg19) VCF-style: chr15-65316032-T-C.
Other names: short protein forms I174V.
Identifiers: ClinVar variation 1380309 (VCV001380309.6), dbSNP rs199841088, ClinGen allele CA7613333.